The following is an entry in ClinVar:

NM_017739.4(POMGNT1):c.127G>C (p.Ala43Pro)

Gene: POMGNT1 (protein O-linked mannose N-acetylglucosaminyltransferase 1 (beta 1,2-); minus strand). Cytogenetic location: 1p34.1.
Variant type: single nucleotide variant.
Coding change: c.127G>C on transcript NM_017739.4 (MANE Select); coding-DNA position 127, G replaced by C.
Protein change: p.Ala43Pro; replaces alanine 43 with proline.
Molecular consequence: missense variant. On other transcripts: 5 prime UTR variant (1).
Genome position (GRCh38, 1-based): chr1:46,197,078, C>G on the plus strand (G>C on the coding strand, the complement: POMGNT1 is on the minus strand). VCF-style: chr1-46197078-C-G. GRCh37 (hg19) VCF-style: chr1-46662750-C-G.
Other names: c.127G>C, p.Ala43Pro (NM_001243766.2, NM_001410783.1); c.61G>C, p.Ala21Pro (NM_001290129.3); c.-303G>C (NM_001290130.2); short protein forms A21P, A43P.
Identifiers: ClinVar variation 2085063 (VCV002085063.2), dbSNP rs1355798817, ClinGen allele CA340192385.

ClinVar aggregate classification (germline): Uncertain significance. Review status: criteria provided, multiple submitters, no conflicts (2 of 4 stars). 2 submissions from 2 submitters: Uncertain significance (2). Last evaluated 2024-11-06.

Conditions:
Autosomal recessive limb-girdle muscular dystrophy type 2O. Also called: Limb-Girdle Muscular Dystrophy Type 3C; MUSCULAR DYSTROPHY-DYSTROGLYCANOPATHY (LIMB-GIRDLE), TYPE C, 3; MUSCULAR DYSTROPHY-DYSTROGLYCANOPATHY, LIMB-GIRDLE, POMGNT1-RELATED. Identifiers: Orphanet 206564, MedGen C3150417, MONDO:0013161, OMIM 613157.
Muscular dystrophy-dystroglycanopathy (congenital with impaired intellectual development), type B, 3. Also called: Muscular dystrophy-dystroglycanopathy (congenital with intellectual disability), type B3; MUSCULAR DYSTROPHY, CONGENITAL, POMGNT1-RELATED. Identifiers: MedGen C3150412, MONDO:0013155, OMIM 613151.

Allele frequency attached by ClinVar (database versions not stated): TOPMed below 0.00001.
gnomAD v4.1: 1 of 1,614,158 alleles (0.000062%); no homozygotes.

Submissions (2):

Blueprint Genetics
Classification: Uncertain significance. Last evaluated: 2024-11-06. Review status: criteria provided, single submitter. Criteria: ACMG Guidelines, 2015. Collection method: clinical testing. Allele origin: germline.

Labcorp Genetics (formerly Invitae), Labcorp
Classification: Uncertain significance for Autosomal recessive limb-girdle muscular dystrophy type 2O; Muscular dystrophy-dystroglycanopathy (congenital with impaired intellectual development), type B, 3. Last evaluated: 2022-09-01. Review status: criteria provided, single submitter. Criteria: Invitae Variant Classification Sherloc (09022015). Collection method: clinical testing. Allele origin: germline.
Comment: This sequence change replaces alanine, which is neutral and non-polar, with proline, which is neutral and non-polar, at codon 43 of the POMGNT1 protein (p.Ala43Pro). This variant is present in population databases (no rsID available, gnomAD no frequency). This variant has not been reported in the literature in individuals affected with POMGNT1-related conditions. Advanced modeling of protein sequence and biophysical properties (such as structural, functional, and spatial information, amino acid conservation, physicochemical variation, residue mobility, and thermodynamic stability) performed at Invitae indicates that this missense variant is not expected to disrupt POMGNT1 protein function. In summary, the available evidence is currently insufficient to determine the role of this variant in disease. Therefore, it has been classified as a Variant of Uncertain Significance.